The following is an entry in ClinVar:

ClinVar aggregate classification (germline): Likely pathogenic (1 of 4 stars; one submission).

Conditions:
Neuromuscular disease caused by qualitative or quantitative defects of dysferlin. Also called: Dysferlinopathy; Qualitative or quantitative defects of dysferlin. Identifiers: Orphanet 207073, MedGen C2931687, MONDO:0016145.

Submission:

Labcorp Genetics (formerly Invitae), Labcorp
Classification: Likely pathogenic for Neuromuscular disease caused by qualitative or quantitative defects of dysferlin. Last evaluated: 2023-09-08. Review status: criteria provided, single submitter. Criteria: Invitae Variant Classification Sherloc (09022015). Collection method: clinical testing. Allele origin: germline.
Comment: Algorithms developed to predict the effect of sequence changes on RNA splicing suggest that this variant may disrupt the consensus splice site. This sequence change affects a splice site in intron 13 of the DYSF gene. It is expected to disrupt RNA splicing. Variants that disrupt the donor or acceptor splice site typically lead to a loss of protein function (PMID: 16199547), and loss-of-function variants in DYSF are known to be pathogenic (PMID: 17698709, 20301480). This variant is not present in population databases (gnomAD no frequency). This variant has not been reported in the literature in individuals affected with DYSF-related conditions. ClinVar contains an entry for this variant (Variation ID: 2089758). In summary, the currently available evidence indicates that the variant is pathogenic, but additional data are needed to prove that conclusively. Therefore, this variant has been classified as Likely Pathogenic.

Literature cited by the submitters: PubMed 16199547; PubMed 17698709; PubMed 20301480.

NM_001130987.2(DYSF):c.1381-2del

Gene: DYSF (dysferlin; plus strand). Cytogenetic location: 2p13.2.
Variant type: Deletion.
Coding change: c.1381-2del on transcript NM_001130987.2 (MANE Select); the canonical splice acceptor site of the intron before coding-DNA position 1381, one base deleted (A; older notation c.1381-2delA).
Molecular consequence: splice acceptor variant.
Genome position (GRCh38, 1-based): chr2:71,535,019, A deleted. VCF-style (leftmost placement, unchanged base first): chr2-71535018-TA-T. GRCh37 (hg19) VCF-style: chr2-71762148-TA-T.
Other names: c.1378-2del (NM_001130979.2, NM_001130981.2, NM_001130980.2); c.1285-2del (NM_001130978.2, NM_003494.4, NM_001130977.2 and 1 more transcripts); c.1381-2del (NM_001130982.2, NM_001130985.2); c.1288-2del (NM_001130983.2, NM_001130455.2, NM_001130984.2 and 1 more transcripts).
Identifiers: ClinVar variation 2089758 (VCV002089758.4), dbSNP rs2545554447, ClinGen allele CA2580067908.